The following is an entry in ClinVar:

NM_000111.3(SLC26A3):c.1514+1G>T

Gene: SLC26A3 (solute carrier family 26 member 3; minus strand). Cytogenetic location: 7q22.3.
Variant type: single nucleotide variant.
Coding change: c.1514+1G>T on transcript NM_000111.3 (MANE Select); the canonical splice donor site of the intron after coding-DNA position 1514, G replaced by T.
Molecular consequence: splice donor variant.
Genome position (GRCh38, 1-based): chr7:107,778,174, C>A on the plus strand (G>T on the coding strand, the complement: SLC26A3 is on the minus strand). VCF-style: chr7-107778174-C-A. GRCh37 (hg19) VCF-style: chr7-107418619-C-A.
Identifiers: ClinVar variation 4856049 (VCV004856049.1).

ClinVar aggregate classification (germline): Likely pathogenic (1 of 4 stars; one submission).

Conditions:
Congenital secretory diarrhea, chloride type (DIAR1). Also called: DIARRHEA 1, SECRETORY CHLORIDE, CONGENITAL; CHLORIDORRHEA, CONGENITAL; CHLORIDE DIARRHEA, CONGENITAL, FINNISH TYPE. Identifiers: Orphanet 53689, MedGen C0267662, MONDO:0008964, OMIM 214700.

gnomAD v4.1: 1 of 1,608,874 alleles (0.000062%); highest among the groups gnomAD compares: Non-Finnish European, 0.000085%; no homozygotes.

Submission:

3billion
Classification: Likely pathogenic for Congenital secretory diarrhea, chloride type. Last evaluated: 2026-01-22. Review status: criteria provided, single submitter. Criteria: ACMG Guidelines, 2015. Collection method: clinical testing. Allele origin: germline. Affected: yes.
Comment: The variant is observed at an extremely low frequency in the gnomAD v4.1.0 dataset (total allele frequency: <0.001%). Predicted Consequence/Location: Canonical splice site: predicted to alter splicing and result in a loss or disruption of normal protein function. Multiple pathogenic loss-of-function variants are reported downstream of the variant. In silico tools predict the variant to alter splicing and produce an abnormal transcript [SpliceAI: 0.94 (spliceogenicity >=0.2, non-spliceogenicity <0.1)]. Therefore, this variant is classified as Likely pathogenic according to the recommendation of ACMG/AMP guideline.